The following is an entry in ClinVar:

NM_000553.6(WRN):c.1297G>A (p.Asp433Asn)

Gene: WRN (WRN RecQ like helicase; plus strand). Cytogenetic location: 8p12.
Variant type: single nucleotide variant.
Coding change: c.1297G>A on transcript NM_000553.6 (MANE Select); coding-DNA position 1297, G replaced by A.
Protein change: p.Asp433Asn; replaces aspartic acid 433 with asparagine.
Molecular consequence: missense variant.
Genome position (GRCh38, 1-based): chr8:31,083,726, G>A. VCF-style: chr8-31083726-G-A. GRCh37 (hg19) VCF-style: chr8-30941242-G-A.
Other names: short protein forms D433N.
Identifiers: ClinVar variation 940919 (VCV000940919.5), dbSNP rs1348238795, ClinGen allele CA370922560.

ClinVar aggregate classification (germline): Uncertain significance (1 of 4 stars; one submission).

Conditions:
Werner syndrome (WRN). Identifiers: Orphanet 902, MedGen C0043119, MONDO:0010196, OMIM 277700.

Allele frequency attached by ClinVar (database versions not stated): gnomAD exomes below 0.00001.
gnomAD v4.1: 4 of 1,611,512 alleles (0.00025%); highest among the groups gnomAD compares: South Asian, 0.0011%; no homozygotes.

Submission:

Labcorp Genetics (formerly Invitae), Labcorp
Classification: Uncertain significance for Werner syndrome. Last evaluated: 2023-10-05. Review status: criteria provided, single submitter. Criteria: Invitae Variant Classification Sherloc (09022015). Collection method: clinical testing. Allele origin: germline.
Comment: This sequence change replaces aspartic acid, which is acidic and polar, with asparagine, which is neutral and polar, at codon 433 of the WRN protein (p.Asp433Asn). This variant is present in population databases (no rsID available, gnomAD 0.003%). This variant has not been reported in the literature in individuals affected with WRN-related conditions. ClinVar contains an entry for this variant (Variation ID: 940919). An algorithm developed to predict the effect of missense changes on protein structure and function (PolyPhen-2) suggests that this variant is likely to be tolerated. In summary, the available evidence is currently insufficient to determine the role of this variant in disease. Therefore, it has been classified as a Variant of Uncertain Significance.